The following is an entry in ClinVar:

ClinVar aggregate classification (germline): Uncertain significance. Review status: criteria provided, multiple submitters, no conflicts (2 of 4 stars). 3 submissions from 3 submitters: Uncertain significance (3). Last evaluated 2025-02-10.

Conditions:
Knobloch syndrome 1 (KNO1). Identifiers: MedGen C4551775, MONDO:0800167, OMIM 267750.
Inborn genetic diseases. Identifiers: MedGen C0950123, MeSH D030342.

Allele frequency attached by ClinVar (database versions not stated): gnomAD exomes below 0.00001.
gnomAD v4.1: 5 of 1,601,122 alleles (0.00031%); highest among the groups gnomAD compares: East Asian, 0.0022%; no homozygotes.

Submissions (3):

Labcorp Genetics (formerly Invitae), Labcorp
Classification: Uncertain significance. Last evaluated: 2025-02-10. Review status: criteria provided, single submitter. Criteria: Invitae Variant Classification Sherloc (09022015). Collection method: clinical testing. Allele origin: germline.
Comment: This sequence change replaces proline, which is neutral and non-polar, with serine, which is neutral and polar, at codon 983 of the COL18A1 protein (p.Pro983Ser). This variant is present in population databases (no rsID available, gnomAD 0.06%). This variant has not been reported in the literature in individuals affected with COL18A1-related conditions. ClinVar contains an entry for this variant (Variation ID: 340262). Experimental studies and prediction algorithms are not available or were not evaluated, and the functional significance of this variant is currently unknown. In summary, the available evidence is currently insufficient to determine the role of this variant in disease. Therefore, it has been classified as a Variant of Uncertain Significance.

Ambry Genetics
Classification: Uncertain significance for Inborn genetic diseases. Last evaluated: 2021-12-03. Review status: criteria provided, single submitter. Criteria: Ambry Variant Classification Scheme 2023. Collection method: clinical testing. Allele origin: germline.

New York Genome Center
Classification: Uncertain significance for Knobloch syndrome 1. Last evaluated: 2020-01-08. Review status: criteria provided, single submitter. Criteria: NYGC Assertion Criteria 2020. Collection method: clinical testing. Allele origin: germline. Observed: 1 homozygote. Study: CSER-NYCKidSeq.

NM_001379500.1(COL18A1):c.2956C>T (p.Pro986Ser)

Genes: COL18A1 (collagen type XVIII alpha 1 chain; plus strand), SLC19A1 (solute carrier family 19 member 1; minus strand). Cytogenetic location: 21q22.3.
Variant type: single nucleotide variant.
Coding change: c.2956C>T on transcript NM_001379500.1 (MANE Select); coding-DNA position 2956, C replaced by T.
Protein change: p.Pro986Ser; replaces proline 986 with serine.
Molecular consequence: missense variant.
Genome position (GRCh38, 1-based): chr21:45,505,221, C>T. VCF-style: chr21-45505221-C-T. GRCh37 (hg19) VCF-style: chr21-46925135-C-T.
Other names: c.3487C>T, p.Pro1163Ser (NM_030582.4); c.4192C>T, p.Pro1398Ser (NM_130444.3); short protein forms P1163S, P1398S, P986S.
Identifiers: ClinVar variation 340262 (VCV000340262.10), dbSNP rs753873000, ClinGen allele CA10653680.
Genomic context (GRCh38, chr21:45,505,221, plus strand): 5'-CAGCCCGGCCCACCTGGACCTCAGGGACCCCCCGGCATCGGCTACGAGGGGCGCCAGGGC[C>T]CTCCCGGCCCCCCAGGCCCCCCAGGGCCCCCTTCATTTCCTGGCCCTCACAGGCAGAGTA-3'
Protein context (NP_001366429.1, residues 976-996): PGIGYEGRQG[Pro986Ser]PGPPGPPGPP